The following is an entry in ClinVar:

ClinVar aggregate classification (germline): Benign (0 of 4 stars; one submission).

Conditions:
MUC16-related disorder. Also called: MUC16-related condition.

Allele frequency attached by ClinVar (database versions not stated): gnomAD exomes 0.05036; ExAC 0.06700; ESP Exome Variant Server 0.08013; gnomAD 0.08690; 1000 Genomes Project 30x 0.11321; 1000 Genomes Project 0.11502.

Submission:

PreventionGenetics, part of Exact Sciences
Classification: Benign for MUC16-related condition. Last evaluated: 2019-02-28. Review status: no assertion criteria provided. Collection method: clinical testing. Allele origin: germline.
Comment: This variant is classified as benign based on ACMG/AMP sequence variant interpretation guidelines (Richards et al. 2015 PMID: 25741868, with internal and published modifications).

NM_001401501.2(MUC16):c.37177G>A (p.Glu12393Lys)

Gene: MUC16 (mucin 16, cell surface associated; minus strand). Cytogenetic location: 19p13.2.
Variant type: single nucleotide variant.
Coding change: c.37177G>A on transcript NM_001401501.2 (MANE Select); coding-DNA position 37177, G replaced by A.
Protein change: p.Glu12393Lys; replaces glutamic acid 12393 with lysine.
Molecular consequence: missense variant.
Genome position (GRCh38, 1-based): chr19:8,914,195, C>T on the plus strand (G>A on the coding strand, the complement: MUC16 is on the minus strand). VCF-style: chr19-8914195-C-T. GRCh37 (hg19) VCF-style: chr19-9024871-C-T.
Other names: c.37603G>A, p.Glu12535Lys (NM_001414686.1); c.37057G>A, p.Glu12353Lys (NM_001414687.1); c.36991G>A, p.Glu12331Lys (NM_024690.2); short protein forms E12331K, E12353K, E12393K, E12535K.
Identifiers: ClinVar variation 3060646 (VCV003060646.2), dbSNP rs62118272, ClinGen allele CA9165443.